The following is an entry in ClinVar:

NM_001004334.4(GPR179):c.4952G>C (p.Trp1651Ser)

Gene: GPR179 (G protein-coupled receptor 179; minus strand). Cytogenetic location: 17q12.
Variant type: single nucleotide variant.
Coding change: c.4952G>C on transcript NM_001004334.4 (MANE Select); coding-DNA position 4952, G replaced by C.
Protein change: p.Trp1651Ser; replaces tryptophan 1651 with serine.
Molecular consequence: missense variant.
Genome position (GRCh38, 1-based): chr17:38,328,617, C>G on the plus strand (G>C on the coding strand, the complement: GPR179 is on the minus strand). VCF-style: chr17-38328617-C-G. GRCh37 (hg19) VCF-style: chr17-36484500-C-G.
Other names: short protein forms W1651S.
Identifiers: ClinVar variation 1948080 (VCV001948080.5), dbSNP rs2512158213, ClinGen allele CA398874134.

ClinVar aggregate classification (germline): Uncertain significance (1 of 4 stars; one submission).

Allele frequency attached by ClinVar (database versions not stated): gnomAD exomes below 0.00001.
gnomAD v4.1: 4 of 1,614,214 alleles (0.00025%); highest among the groups gnomAD compares: Middle Eastern, 0.016%; no homozygotes.

Submission:

Labcorp Genetics (formerly Invitae), Labcorp
Classification: Uncertain significance. Last evaluated: 2022-04-01. Review status: criteria provided, single submitter. Criteria: Invitae Variant Classification Sherloc (09022015). Collection method: clinical testing. Allele origin: germline.
Comment: This sequence change replaces tryptophan, which is neutral and slightly polar, with serine, which is neutral and polar, at codon 1651 of the GPR179 protein (p.Trp1651Ser). This variant is not present in population databases (gnomAD no frequency). This variant has not been reported in the literature in individuals affected with GPR179-related conditions. Algorithms developed to predict the effect of missense changes on protein structure and function are either unavailable or do not agree on the potential impact of this missense change (SIFT: "Deleterious"; PolyPhen-2: "Possibly Damaging"; Align-GVGD: "Class C0"). In summary, the available evidence is currently insufficient to determine the role of this variant in disease. Therefore, it has been classified as a Variant of Uncertain Significance.